The following is an entry in ClinVar:

NM_000089.4(COL1A2):c.1294C>T (p.Arg432Ter)

Gene: COL1A2 (collagen type I alpha 2 chain; plus strand). Cytogenetic location: 7q21.3.
Variant type: single nucleotide variant.
Coding change: c.1294C>T on transcript NM_000089.4 (MANE Select); coding-DNA position 1294, C replaced by T.
Protein change: p.Arg432Ter; replaces arginine 432 with a stop codon.
Molecular consequence: nonsense.
Genome position (GRCh38, 1-based): chr7:94,411,098, C>T. VCF-style: chr7-94411098-C-T. GRCh37 (hg19) VCF-style: chr7-94040410-C-T.
Other names: short protein forms R432*.
Identifiers: ClinVar variation 3749364 (VCV003749364.2).
Genomic context (GRCh38, chr7:94,411,098, plus strand): 5'-TTTTTTTTTTTTGAATAGGGCCCTCCTGGTAGTCGTGGTGCAAGTGGCCCTGCTGGAGTC[C>T]GAGGACCTAATGGAGATGCTGGTCGCCCTGGGGAGCCTGGTCTCATGGGACCCAGAGTAA-3'

ClinVar aggregate classification (germline): Pathogenic (1 of 4 stars; one submission).

Conditions:
Ehlers-Danlos syndrome, classic type, 1 (EDSCL1). Also called: EHLERS-DANLOS SYNDROME, GRAVIS TYPE; EHLERS-DANLOS SYNDROME, SEVERE CLASSIC TYPE; Ehlers-Danlos syndrome, type 1; Ehlers-Danlos Syndrome, Classic Type, COL5A1-Related; EDS I. Identifiers: MedGen C0268335, MONDO:0019567, OMIM 130000.
Osteogenesis imperfecta type I (OI1). Also called: OI, TYPE I; OSTEOGENESIS IMPERFECTA TARDA; OSTEOGENESIS IMPERFECTA WITH BLUE SCLERAE; Osteogenesis imperfecta type 1; Lobstein's Disease; Lobstein disease. Identifiers: Orphanet 216796, Orphanet 666, MedGen C0023931, MONDO:0008146, OMIM 166200. Disease mechanism: loss of function.

gnomAD v4.1: 2 of 1,604,278 alleles (0.00012%); highest among the groups gnomAD compares: East Asian, 0.0022%; no homozygotes.

Submission:

Labcorp Genetics (formerly Invitae), Labcorp
Classification: Pathogenic for Osteogenesis imperfecta type I; Ehlers-Danlos syndrome, classic type, 1. Last evaluated: 2024-01-31. Review status: criteria provided, single submitter. Criteria: Invitae Variant Classification Sherloc (09022015). Collection method: clinical testing. Allele origin: germline.
Comment: This sequence change creates a premature translational stop signal (p.Arg432*) in the COL1A2 gene. It is expected to result in an absent or disrupted protein product. Loss-of-function variants in COL1A2 are known to be pathogenic (PMID: 11288717, 15077201). This variant is not present in population databases (gnomAD no frequency). This variant has not been reported in the literature in individuals affected with COL1A2-related conditions. For these reasons, this variant has been classified as Pathogenic.

Literature cited by the submitters: PubMed 11288717; PubMed 15077201.